The following is an entry in ClinVar:

ClinVar aggregate classification (germline): Uncertain significance (0 of 4 stars; one submission).

Conditions:
PCSK1-related disorder. Also called: PCSK1-related condition.

gnomAD v4.1: 4 of 1,614,058 alleles (0.00025%); highest among the groups gnomAD compares: Admixed American, 0.0033%; no homozygotes.

Submission:

PreventionGenetics, part of Exact Sciences
Classification: Uncertain significance for PCSK1-related condition. Last evaluated: 2024-08-08. Review status: no assertion criteria provided. Collection method: clinical testing. Allele origin: germline.
Comment: The PCSK1 c.1978G>A variant is predicted to result in the amino acid substitution p.Glu660Lys. This variant was observed in a cohort of obese individuals, and in vitro functional studies showed inconclusive evidence of loss of function (Supplemental Data Set, Shah et al. 2023. PubMed ID: 36864747). This variant is reported in 0.0058% of alleles in individuals of Latino descent in gnomAD . At this time, the clinical significance of this variant is uncertain due to the absence of conclusive functional and genetic evidence.

NM_000439.5(PCSK1):c.1978G>A (p.Glu660Lys)

Genes: CAST (calpastatin; plus strand), PCSK1 (proprotein convertase subtilisin/kexin type 1; minus strand), LOC101929710 (uncharacterized LOC101929710; plus strand). Cytogenetic location: 5q15.
Variant type: single nucleotide variant.
Coding change: c.1978G>A on transcript NM_000439.5 (MANE Select); coding-DNA position 1978, G replaced by A.
Protein change: p.Glu660Lys; replaces glutamic acid 660 with lysine.
Molecular consequence: missense variant. On other transcripts: intron variant (11).
Genome position (GRCh38, 1-based): chr5:96,393,285, C>T on the plus strand (G>A on the coding strand, the complement: PCSK1 is on the minus strand). VCF-style: chr5-96393285-C-T. GRCh37 (hg19) VCF-style: chr5-95728989-C-T.
Other names: c.1837G>A, p.Glu613Lys (NM_001177875.2); c.-175+13633C>T (NM_001423254.1, NM_001423259.1, NM_001423255.1 and 6 more transcripts); c.-103+13633C>T (NM_001423253.1); c.-40+13633C>T (NM_001423258.1); short protein forms E613K, E660K.
Identifiers: ClinVar variation 3352003 (VCV003352003.1).